The following is an entry in ClinVar:

ClinVar aggregate classification (germline): Pathogenic (1 of 4 stars; one submission).

Conditions:
Inherited breast cancer and ovarian cancer.

Submission:

Genomics and Molecular Medicine Service, East Genomic Laboratory Hub, NHS Genomic Medicine Service
Classification: Pathogenic for Inherited breast cancer and ovarian cancer. Last evaluated: 2024-07-08. Review status: criteria provided, single submitter. Criteria: ACGS Best Practice Guidelines for Variant Classification in Rare Disease 2020. Collection method: clinical testing. Allele origin: germline. Affected: yes.
Comment: PVS1,PM2,PM5_Strong

NM_007294.4(BRCA1):c.4616_4617dup (p.Glu1540fs)

Gene: BRCA1 (BRCA1 DNA repair associated; minus strand). Cytogenetic location: 17q21.31.
Variant type: Duplication.
Coding change: c.4616_4617dup on transcript NM_007294.4 (MANE Select); coding-DNA positions 4616 to 4617, 2 bases duplicated (TG; older notation c.4616_4617dupTG).
Protein change: p.Glu1540fs; shifts the reading frame from glutamic acid 1540.
Molecular consequence: frameshift variant. On other transcripts: intron variant (3).
Genome position (GRCh38, 1-based): chr17:43,074,389-43,074,390, CA duplicated on the plus strand (TG on the coding strand, the reverse complement: BRCA1 is on the minus strand). VCF-style (leftmost placement, unchanged base first): chr17-43074388-C-CCA. GRCh37 (hg19) VCF-style: chr17-41226405-C-CCA.
Other names: c.4403_4404dup, p.Glu1469fs (NM_001407571.1, NM_001407894.1, NM_001407895.1 and 12 more transcripts); c.4682_4683dup, p.Glu1562fs (NM_001407581.1, NM_001407582.1); c.4679_4680dup, p.Glu1561fs (NM_001407583.1, NM_001407585.1, NM_001407587.1 and 1 more transcripts); c.4676_4677dup, p.Glu1560fs (NM_001407590.1, NM_001407591.1); c.4616_4617dup, p.Glu1540fs (NM_001407593.1, NM_001407594.1, NM_001407596.1 and 8 more transcripts); c.4613_4614dup, p.Glu1539fs (NM_001407610.1, NM_001407611.1, NM_001407612.1 and 17 more transcripts); c.4610_4611dup, p.Glu1538fs (NM_001407627.1, NM_001407628.1, NM_001407629.1 and 14 more transcripts); c.4607_4608dup, p.Glu1537fs (NM_001407644.1, NM_001407645.1); and 71 more; short protein forms E1243fs, E1244fs, E1371fs, E1411fs, E1412fs, E1413fs, E1427fs, E1428fs.
Identifiers: ClinVar variation 3387792 (VCV003387792.1).
Genomic context (GRCh38, chr17:43,074,388, plus strand): 5'-TACCTAGATCTTGCCTTGGCAAGTAAGATGTTTCCGTCAAATCGTGTGGCCCAGACTCTT[C>CCA]CAGCTGTTGCTCCTCCACATCAACAACCTTAATGAGCTCCTCTTGAGATGGGTAGTTTCT-3'